The following is an entry in ClinVar:

ClinVar aggregate classification (germline): Uncertain significance (1 of 4 stars; one submission).

Allele frequency attached by ClinVar (database versions not stated): gnomAD exomes 0.00002; ExAC 0.00003; gnomAD 0.00003.
gnomAD v4.1: 37 of 1,614,082 alleles (0.0023%); highest among the groups gnomAD compares: Non-Finnish European, 0.00017%; no homozygotes.

Submission:

Ambry Genetics
Classification: Uncertain significance. Last evaluated: 2024-05-31. Review status: criteria provided, single submitter. Criteria: Ambry Variant Classification Scheme 2023. Collection method: clinical testing. Allele origin: germline.
Comment: The p.Q112R variant (also known as c.335A>G), located in coding exon 3 of the ALPK2 gene, results from an A to G substitution at nucleotide position 335. The glutamine at codon 112 is replaced by arginine, an amino acid with highly similar properties. This amino acid position is conserved. In addition, this alteration is predicted to be tolerated by in silico analysis. Since supporting evidence is limited at this time, the clinical significance of this alteration remains unclear.

NM_052947.4(ALPK2):c.335A>G (p.Gln112Arg)

Gene: ALPK2 (alpha kinase 2; minus strand). Cytogenetic location: 18q21.31.
Variant type: single nucleotide variant.
Coding change: c.335A>G on transcript NM_052947.4 (MANE Select); coding-DNA position 335, A replaced by G.
Protein change: p.Gln112Arg; replaces glutamine 112 with arginine.
Molecular consequence: missense variant.
Genome position (GRCh38, 1-based): chr18:58,580,441, T>C on the plus strand (A>G on the coding strand, the complement: ALPK2 is on the minus strand). VCF-style: chr18-58580441-T-C. GRCh37 (hg19) VCF-style: chr18-56247673-T-C.
Other names: short protein forms Q112R.
Identifiers: ClinVar variation 1730578 (VCV001730578.3), dbSNP rs760237351, ClinGen allele CA8977467.
Genomic context (GRCh38, chr18:58,580,441, plus strand): 5'-TGTGTCCCTGTTTCATGTTTCCAACCCCTGTCCCTGTCATCTTCCAGGTTAGGAGACAAT[T>C]GTGGGTTCTCTGATGAGCACTCAACCTCAACGGAAGCAGAACAACAGATCATTCCAAAAG-3'
Protein context (NP_443179.3, residues 102-122): VEVECSSENP[Gln112Arg]LSPNLEDDRD